The following is an entry in ClinVar:

ClinVar aggregate classification (germline): Uncertain significance. Review status: criteria provided, multiple submitters, no conflicts (2 of 4 stars). 6 submissions from 6 submitters: Uncertain significance (5). 1 of the submissions does not count toward it. Last evaluated 2025-08-07.

Conditions:
Nemaline myopathy 2 (NEM2). Also called: Nemaline myopathy 2, autosomal recessive. Identifiers: MedGen C1850569, MONDO:0009725, OMIM 256030.
Arthrogryposis multiplex congenita 6. Identifiers: MedGen C5543431, MONDO:0030281, OMIM 619334.

Allele frequency attached by ClinVar (database versions not stated): gnomAD 0.00003; TOPMed 0.00003.
gnomAD v4.1: 55 of 1,612,978 alleles (0.0034%); highest among the groups gnomAD compares: Admixed American, 0.09%; no homozygotes.

Submissions (6):

Mayo Clinic Laboratories, Mayo Clinic
Classification: Uncertain significance. Last evaluated: 2025-08-07. Review status: criteria provided, single submitter. Criteria: ACMG Guidelines, 2015. Collection method: clinical testing. Allele origin: germline. Observed: 1 variant allele.
Comment: BP4

Revvity Omics, Revvity
Classification: Uncertain significance. Last evaluated: 2025-06-11. Review status: criteria provided, single submitter. Criteria: ACMG Guidelines, 2015. Collection method: clinical testing. Allele origin: germline.

Fulgent Genetics
Classification: Uncertain significance for Nemaline myopathy 2; Arthrogryposis multiplex congenita 6. Last evaluated: 2024-03-16. Review status: criteria provided, single submitter. Criteria: ACMG Guidelines, 2015. Collection method: clinical testing. Allele origin: germline.

GeneDx
Classification: Uncertain significance. Last evaluated: 2023-10-04. Review status: criteria provided, single submitter. Criteria: GeneDx Variant Classification Process June 2021. Collection method: clinical testing. Allele origin: germline. Affected: yes.
Comment: In silico analysis supports that this missense variant has a deleterious effect on protein structure/function; Has not been previously published as pathogenic or benign to our knowledge

Labcorp Genetics (formerly Invitae), Labcorp
Classification: Uncertain significance for Nemaline myopathy 2. Last evaluated: 2022-10-04. Review status: criteria provided, single submitter. Criteria: Invitae Variant Classification Sherloc (09022015). Collection method: clinical testing. Allele origin: germline.
Comment: This sequence change replaces arginine, which is basic and polar, with leucine, which is neutral and non-polar, at codon 3745 of the NEB protein (p.Arg3745Leu). This variant is present in population databases (rs765379397, gnomAD 0.1%). This variant has not been reported in the literature in individuals affected with NEB-related conditions. ClinVar contains an entry for this variant (Variation ID: 465435). Algorithms developed to predict the effect of missense changes on protein structure and function are either unavailable or do not agree on the potential impact of this missense change (SIFT: "Deleterious"; PolyPhen-2: "Not Available"; Align-GVGD: "Class C0"). In summary, the available evidence is currently insufficient to determine the role of this variant in disease. Therefore, it has been classified as a Variant of Uncertain Significance.

Natera, Inc.
Classification: Uncertain significance for Nemaline myopathy type 2. Last evaluated: 2019-11-11. Review status: no assertion criteria provided. Collection method: clinical testing. Allele origin: germline. Not counted in ClinVar's aggregate classification.

NM_001164508.2(NEB):c.11234G>T (p.Arg3745Leu)

Gene: NEB (nebulin; minus strand). Cytogenetic location: 2q23.3.
Variant type: single nucleotide variant.
Coding change: c.11234G>T on transcript NM_001164508.2 (MANE Select); coding-DNA position 11234, G replaced by T.
Protein change: p.Arg3745Leu; replaces arginine 3745 with leucine.
Molecular consequence: missense variant.
Genome position (GRCh38, 1-based): chr2:151,616,057, C>A on the plus strand (G>T on the coding strand, the complement: NEB is on the minus strand). VCF-style: chr2-151616057-C-A. GRCh37 (hg19) VCF-style: chr2-152472571-C-A.
Other names: p.Arg3745Leu; c.11234G>T, p.Arg3745Leu (NM_001164507.2, NM_001271208.2); c.10505G>T, p.Arg3502Leu (NM_004543.5); short protein forms R3745L, R3502L.
Identifiers: ClinVar variation 465435 (VCV000465435.16), dbSNP rs765379397, ClinGen allele CA1908802.